The following is an entry in ClinVar:

ClinVar aggregate classification (germline): Uncertain significance. Review status: criteria provided, single submitter (1 of 4 stars). 2 submissions from 2 submitters: Uncertain significance (1). 1 of the submissions does not count toward it. Last evaluated 2022-05-04.

Conditions:
TENM4-related disorder. Also called: TENM4-related condition.

Allele frequency attached by ClinVar (database versions not stated): gnomAD 0.00012 and 0.00013; 1000 Genomes Project 30x 0.00016; ExAC 0.00016; gnomAD exomes 0.00018; TOPMed 0.00019.
gnomAD v4.1: 103 of 1,613,872 alleles (0.0064%); highest among the groups gnomAD compares: East Asian, 0.069%; no homozygotes.

Submissions (2):

Mendelics
Classification: Uncertain significance. Last evaluated: 2022-05-04. Review status: criteria provided, single submitter. Criteria: Mendelics Assertion Criteria 2019. Collection method: clinical testing. Allele origin: germline.

PreventionGenetics, part of Exact Sciences
Classification: Uncertain significance for TENM4-related condition. Last evaluated: 2024-04-18. Review status: no assertion criteria provided. Collection method: clinical testing. Allele origin: germline. Not counted in ClinVar's aggregate classification.
Comment: The TENM4 c.3053G>A variant is predicted to result in the amino acid substitution p.Arg1018His. This variant was reported in an individual with essential tremor (Hor et al 2015. PubMed ID: 26188006). This variant is reported in 0.16% of alleles in individuals of East Asian descent in gnomAD. This variant could be benign. At this time, the clinical significance of this variant is uncertain due to the absence of conclusive functional and genetic evidence.

NM_001098816.3(TENM4):c.3053G>A (p.Arg1018His)

Gene: TENM4 (teneurin transmembrane protein 4; minus strand). Cytogenetic location: 11q14.1.
Variant type: single nucleotide variant.
Coding change: c.3053G>A on transcript NM_001098816.3 (MANE Select); coding-DNA position 3053, G replaced by A.
Protein change: p.Arg1018His; replaces arginine 1018 with histidine.
Molecular consequence: missense variant.
Genome position (GRCh38, 1-based): chr11:78,732,401, C>T on the plus strand (G>A on the coding strand, the complement: TENM4 is on the minus strand). VCF-style: chr11-78732401-C-T. GRCh37 (hg19) VCF-style: chr11-78443446-C-T.
Other names: c.3053G>A (NM_001098816.2); short protein forms R1018H.
Identifiers: ClinVar variation 1685169 (VCV001685169.2), dbSNP rs748691958, ClinGen allele CA6207140.